The following is an entry in ClinVar:

NM_001429.4(EP300):c.6807G>A (p.Met2269Ile)

Gene: EP300 (EP300 lysine acetyltransferase; plus strand). Cytogenetic location: 22q13.2.
Variant type: single nucleotide variant.
Coding change: c.6807G>A on transcript NM_001429.4 (MANE Select); coding-DNA position 6807, G replaced by A.
Protein change: p.Met2269Ile; replaces methionine 2269 with isoleucine.
Molecular consequence: missense variant.
Genome position (GRCh38, 1-based): chr22:41,178,518, G>A. VCF-style: chr22-41178518-G-A. GRCh37 (hg19) VCF-style: chr22-41574522-G-A.
Other names: c.6729G>A, p.Met2243Ile (NM_001362843.2); short protein forms M2243I, M2269I.
Identifiers: ClinVar variation 4249447 (VCV004249447.2).

ClinVar aggregate classification (germline): Uncertain significance. Review status: criteria provided, multiple submitters, no conflicts (2 of 4 stars). 2 submissions from 2 submitters: Uncertain significance (2). Last evaluated 2025-08-14.

Conditions:
Inborn genetic diseases. Identifiers: MedGen C0950123, MeSH D030342.
Menke-Hennekam syndrome 2 (MKHK2). Identifiers: MedGen C5193035, MONDO:0020769, OMIM 618333.
Rubinstein-Taybi syndrome due to EP300 haploinsufficiency. Also called: RUBINSTEIN-TAYBI SYNDROME 2; EP300-Related Rubinstein-Taybi Syndrome. Identifiers: Orphanet 353284, Orphanet 783, MedGen C3150941, MONDO:0013364, OMIM 613684.

gnomAD v4.1: 6 of 1,613,894 alleles (0.00037%); highest among the groups gnomAD compares: South Asian, 0.0011%; no homozygotes.

Submissions (2):

Ambry Genetics
Classification: Uncertain significance for Inborn genetic diseases. Last evaluated: 2025-08-14. Review status: criteria provided, single submitter. Criteria: Ambry Variant Classification Scheme 2023. Collection method: clinical testing. Allele origin: germline.

Clinical Genomics Laboratory, Washington University in St. Louis
Classification: Uncertain significance for Rubinstein-Taybi syndrome due to EP300 haploinsufficiency; Menke-Hennekam syndrome 2. Last evaluated: 2025-04-27. Review status: criteria provided, single submitter. Criteria: ACMG Guidelines, 2015. Collection method: clinical testing. Allele origin: germline.
Comment: The EP300 c.6807G>A (p.Met2269Ile) variant, to our knowledge, has not been reported in the medical literature nor in the ClinVar database. This variant is only observed in 1/251,296 alleles in the general population (gnomAD v2.1), indicating it is not a common variant. Another variant in the same codon, c.6805A>T (p.Met2269Leu), has been reported as a variant of uncertain significance in ClinVar (ClinVar Variation ID: 2031013). This variant resides within exon 31, where variation in this exon and exon 30 are associated with Menke-Hennekam syndrome (Banka S et al., PMID: 30892815; Menke LA et al., 29460469). Computational predictors are uncertain as to the impact of this variant on EP300 function. Due to limited information, and based on ACMG/AMP guidelines for variant interpretation (Richards S et al., PMID: 25741868), the clinical significance of this variant is uncertain at this time.